The following is an entry in ClinVar:

NM_033026.6(PCLO):c.8274C>G (p.Ile2758Met)

Gene: PCLO (piccolo presynaptic cytomatrix protein; minus strand). Cytogenetic location: 7q21.11.
Variant type: single nucleotide variant.
Coding change: c.8274C>G on transcript NM_033026.6 (MANE Select); coding-DNA position 8274, C replaced by G.
Protein change: p.Ile2758Met; replaces isoleucine 2758 with methionine.
Molecular consequence: missense variant.
Genome position (GRCh38, 1-based): chr7:82,952,679, G>C on the plus strand (C>G on the coding strand, the complement: PCLO is on the minus strand). VCF-style: chr7-82952679-G-C. GRCh37 (hg19) VCF-style: chr7-82581995-G-C.
Other names: c.8274C>G, p.Ile2758Met (NM_014510.3); short protein forms I2758M.
Identifiers: ClinVar variation 1375071 (VCV001375071.3), dbSNP rs776148218, ClinGen allele CA4320151.

ClinVar aggregate classification (germline): Uncertain significance (1 of 4 stars; one submission).

Allele frequency attached by ClinVar (database versions not stated): gnomAD exomes below 0.00001; ExAC 0.00001.

Submission:

Labcorp Genetics (formerly Invitae), Labcorp
Classification: Uncertain significance. Last evaluated: 2021-11-29. Review status: criteria provided, single submitter. Criteria: Invitae Variant Classification Sherloc (09022015). Collection method: clinical testing. Allele origin: germline.
Comment: This sequence change replaces isoleucine, which is neutral and non-polar, with methionine, which is neutral and non-polar, at codon 2758 of the PCLO protein (p.Ile2758Met). This variant is present in population databases (rs776148218, gnomAD 0.0009%). This variant has not been reported in the literature in individuals affected with PCLO-related conditions. Algorithms developed to predict the effect of missense changes on protein structure and function output the following: SIFT: "Tolerated"; PolyPhen-2: "Not Available"; Align-GVGD: "Class C0". The methionine amino acid residue is found in multiple mammalian species, which suggests that this missense change does not adversely affect protein function. In summary, the available evidence is currently insufficient to determine the role of this variant in disease. Therefore, it has been classified as a Variant of Uncertain Significance.